The following is an entry in ClinVar:

ClinVar aggregate classification (germline): Uncertain significance (1 of 4 stars; one submission).

Allele frequency attached by ClinVar (database versions not stated): gnomAD exomes 0.00002.

Submission:

Labcorp Genetics (formerly Invitae), Labcorp
Classification: Uncertain significance. Last evaluated: 2022-07-18. Review status: criteria provided, single submitter. Criteria: Invitae Variant Classification Sherloc (09022015). Collection method: clinical testing. Allele origin: germline.
Comment: In summary, the available evidence is currently insufficient to determine the role of this variant in disease. Therefore, it has been classified as a Variant of Uncertain Significance. ClinVar contains an entry for this variant (Variation ID: 955795). This variant has not been reported in the literature in individuals affected with ARSG-related conditions. This variant is not present in population databases (gnomAD no frequency). This sequence change creates a premature translational stop signal (p.Lys451Asnfs*4) in the ARSG gene. While this is not anticipated to result in nonsense mediated decay, it is expected to disrupt the last 75 amino acid(s) of the ARSG protein.

NM_001267727.2(ARSG):c.1353del (p.Lys451fs)

Genes: ARSG (arylsulfatase G; plus strand), PRKAR1A (protein kinase cAMP-dependent type I regulatory subunit alpha; plus strand). Cytogenetic location: 17q24.2.
Variant type: Deletion.
Coding change: c.1353del on transcript NM_001267727.2 (MANE Select); coding-DNA position 1353, one base deleted (G; older notation c.1353delG).
Protein change: p.Lys451fs; shifts the reading frame from lysine 451.
Molecular consequence: frameshift variant. On other transcripts: intron variant (3).
Genome position (GRCh38, 1-based): chr17:68,420,238, G deleted. VCF-style (leftmost placement, unchanged base first): chr17-68420237-AG-A. GRCh37 (hg19) VCF-style: chr17-66416378-AG-A.
Other names: c.1353del, p.Lys451fs (NM_001352899.2, NM_001352900.2, NM_001352901.2 and 2 more transcripts); c.1350del, p.Lys450fs (NM_001352903.2, NM_001352904.2, NM_001352905.2 and 2 more transcripts); c.1303+18788del (NM_001352910.2); c.1255+18788del (NM_001352909.2); c.-7+6443del (NM_001278433.2); short protein forms K450fs, K451fs.
Identifiers: ClinVar variation 955795 (VCV000955795.8), dbSNP rs748235714, ClinGen allele CA293296963.
Genomic context (GRCh38, chr17:68,420,237, plus strand): 5'-TTCCCTCTCTAGGTGGAGCCAGGGCGTGTGATGGGAGCACGGGGCCTGAGCTGCAGCATA[AG>A]TTTCCTCTGATTTTCAACCTGGAAGACGATACCGCAGAAGCTGTGCCCCTAGAAAGAGGT-3'